The following is an entry in ClinVar:

ClinVar aggregate classification (germline): Uncertain significance (1 of 4 stars; one submission).

Conditions:
Angelman syndrome (AS). Also called: HAPPY PUPPET SYNDROME. Identifiers: Orphanet 72, MedGen C0162635, MONDO:0007113, OMIM 105830. Disease mechanism: loss of function. Inheritance: imprinting disorder, AS is caused by disruption of maternally imprinted UBE3A located within the 15q11.2-q13 Angelman syndrome/Prader-Willi syndrome (AS/PWS) region..

gnomAD v4.1: 1 of 1,614,060 alleles (0.000062%); highest among the groups gnomAD compares: Non-Finnish European, 0.000085%; no homozygotes.

Submission:

Labcorp Genetics (formerly Invitae), Labcorp
Classification: Uncertain significance for Angelman syndrome. Last evaluated: 2025-07-17. Review status: criteria provided, single submitter. Criteria: Invitae Variant Classification Sherloc (09022015). Collection method: clinical testing. Allele origin: germline.
Comment: This sequence change replaces aspartic acid, which is acidic and polar, with glutamic acid, which is acidic and polar, at codon 311 of the UBE3A protein (p.Asp311Glu). This variant is not present in population databases (gnomAD no frequency). This variant has not been reported in the literature in individuals affected with UBE3A-related conditions. Invitae Evidence Modeling of protein sequence and biophysical properties (such as structural, functional, and spatial information, amino acid conservation, physicochemical variation, residue mobility, and thermodynamic stability) indicates that this missense variant is not expected to disrupt UBE3A protein function with a negative predictive value of 80%. In summary, the available evidence is currently insufficient to determine the role of this variant in disease. Therefore, it has been classified as a Variant of Uncertain Significance.

NM_130839.5(UBE3A):c.993C>G (p.Asp331Glu)

Genes: SNHG14 (small nucleolar RNA host gene 14; plus strand), UBE3A (ubiquitin protein ligase E3A; minus strand). Cytogenetic location: 15q11.2.
Variant type: single nucleotide variant.
Coding change: c.993C>G on transcript NM_130839.5 (MANE Select); coding-DNA position 993, C replaced by G.
Protein change: p.Asp331Glu; replaces aspartic acid 331 with glutamic acid.
Molecular consequence: missense variant. On other transcripts: non-coding transcript variant (1), intron variant (2).
Genome position (GRCh38, 1-based): chr15:25,371,181, G>C on the plus strand (C>G on the coding strand, the complement: UBE3A is on the minus strand). VCF-style: chr15-25371181-G-C. GRCh37 (hg19) VCF-style: chr15-25616328-G-C.
Other names: c.1002C>G, p.Asp334Glu (NM_000462.5); c.993C>G, p.Asp331Glu (NM_001354505.1, NM_001354538.2, NM_001354545.2); c.933C>G, p.Asp311Glu (NM_001354506.2, NM_001354507.2, NM_001354508.2 and 17 more transcripts); c.816C>G, p.Asp272Glu (NM_001354546.2); c.301+4284C>G (NM_001354551.2); c.361+4284C>G (NM_001354550.2); short protein forms D272E, D311E, D331E, D334E.
Identifiers: ClinVar variation 4804377 (VCV004804377.1).
Genomic context (GRCh38, chr15:25,371,181, plus strand): 5'-ATTGCTTATGACTTTATAAGTAATAAGTTGCTGAAATGTCTCCATCATTCTCCGAATCTG[G>C]TCTGCATTGTATTTAGACCACAGTCTGATCAGTTTTCCTTGGGCTGCAAGGGGTAGCTTG-3'
Protein context (NP_570854.1, residues 321-341): LIRLWSKYNA[Asp331Glu]QIRRMMETFQ